The following is an entry in ClinVar:

NM_033380.3(COL4A5):c.3784del (p.Arg1262fs)

Gene: COL4A5 (collagen type IV alpha 5 chain; plus strand). Cytogenetic location: Xq22.3.
Variant type: Deletion.
Coding change: c.3784del on transcript NM_033380.3 (MANE Select); coding-DNA position 3784, one base deleted (A; older notation c.3784delA).
Protein change: p.Arg1262fs; shifts the reading frame from arginine 1262.
Molecular consequence: frameshift variant.
Genome position (GRCh38, 1-based): chrX:108,668,498, A deleted. VCF-style (leftmost placement, unchanged base first): chrX-108668497-GA-G. GRCh37 (hg19) VCF-style: chrX-107911727-GA-G.
Other names: c.3784del, p.Arg1262fs (NM_000495.5); short protein forms R1262fs.
Identifiers: ClinVar variation 1726087 (VCV001726087.2), dbSNP rs2524576251, ClinGen allele CA2580100191.

ClinVar aggregate classification (germline): Likely pathogenic (1 of 4 stars; one submission).

Conditions:
X-linked Alport syndrome (ATS1). Also called: NEPHROPATHY AND DEAFNESS, X-LINKED; COL4A5-Related Nephropathy. Identifiers: Orphanet 63, Orphanet 88917, MedGen C4746986, MONDO:0010520, OMIM 301050.

Submission:

Myriad Genetics, Inc.
Classification: Likely pathogenic for X-linked Alport syndrome. Last evaluated: 2022-05-18. Review status: criteria provided, single submitter. Criteria: Myriad Women's Health Autosomal Recessive and X-Linked Classification Criteria (2021). Collection method: clinical testing. Allele origin: unknown.
Comment: NM_000495.4(COL4A5):c.3784delA(R1262Dfs*37) is expected to be pathogenic in the context of X-linked Alport syndrome. This variant is predicted to lead to an abnormal or absent protein product due to the creation of a premature termination codon in COL4A5, a gene where loss-of-function variants are known to be pathogenic. Please note: this variant was assessed in the context of healthy population screening.